The following is an entry in ClinVar:

NM_006514.4(SCN10A):c.5216_5217delinsTT (p.Asp1739Val)

Gene: SCN10A (sodium voltage-gated channel alpha subunit 10; minus strand). Cytogenetic location: 3p22.2.
Variant type: Indel.
Coding change: c.5216_5217delinsTT on transcript NM_006514.4 (MANE Select); coding-DNA positions 5216 to 5217, AC replaced by TT.
Protein change: p.Asp1739Val; replaces aspartic acid 1739 with valine.
Molecular consequence: missense variant.
Genome position (GRCh38, 1-based): chr3:38,698,003-38,698,004, GT replaced by AA on the plus strand (AC replaced by TT on the coding strand, the reverse complement: SCN10A is on the minus strand). VCF-style: chr3-38698003-GT-AA. GRCh37 (hg19) VCF-style: chr3-38739494-GT-AA.
Other names: c.5213_5214delinsTT, p.Asp1738Val (NM_001293306.2); c.4922_4923delinsTT, p.Asp1641Val (NM_001293307.2); c.5216_5217delACinsTT (NM_006514.2, NM_006514.3); short protein forms D1738V, D1641V, D1739V.
Identifiers: ClinVar variation 641515 (VCV000641515.5), dbSNP rs1575916146, ClinGen allele CA915942362.

ClinVar aggregate classification (germline): Uncertain significance. Review status: criteria provided, multiple submitters, no conflicts (2 of 4 stars). 2 submissions from 2 submitters: Uncertain significance (2). Last evaluated 2025-11-04.

Conditions:
Cardiovascular phenotype. Identifiers: MedGen CN230736.
Brugada syndrome. Also called: Sudden unexplained nocturnal death syndrome; Sudden unexpected nocturnal death syndrome; Sudden Unexplained Death Syndrome; Sudden Unexplained Nocturnal Death Syndrome (SUNDS). Identifiers: Orphanet 130, MedGen C1142166, MONDO:0015263.

Submissions (2):

Labcorp Genetics (formerly Invitae), Labcorp
Classification: Uncertain significance for Brugada syndrome. Last evaluated: 2025-11-04. Review status: criteria provided, single submitter. Criteria: Invitae Variant Classification Sherloc (09022015). Collection method: clinical testing. Allele origin: germline.
Comment: This sequence change replaces aspartic acid, which is acidic and polar, with valine, which is neutral and non-polar, at codon 1739 of the SCN10A protein (p.Asp1739Val). The frequency data for this variant in the population databases is considered unreliable, as metrics indicate poor data quality at this position in the gnomAD database. This missense change has been observed in individual(s) with sudden cardiac arrest (PMID: 30403391). ClinVar contains an entry for this variant (Variation ID: 641515). An algorithm developed to predict the effect of missense changes on protein structure and function (PolyPhen-2) suggests that this variant is likely to be disruptive. In summary, the available evidence is currently insufficient to determine the role of this variant in disease. Therefore, it has been classified as a Variant of Uncertain Significance.

Ambry Genetics
Classification: Uncertain significance for Cardiovascular phenotype. Last evaluated: 2024-12-31. Review status: criteria provided, single submitter. Criteria: Ambry Variant Classification Scheme 2023. Collection method: clinical testing. Allele origin: germline.
Comment: The c.5216_5217delACinsTT variant, located in coding exon 27 of the SCN10A gene, results from an in-frame deletion of AC and insertion of TT at nucleotide positions 5216 to 5217. This results in the substitution of the aspartic acid residue for a valine residue at codon 1739, an amino acid with highly dissimilar properties. Based on data from gnomAD, this allele has an overall frequency of 0.0004% (1/251206) total alleles studied. The highest observed frequency was 0.0009% (1/113520) of European (non-Finnish) alleles. This amino acid position is highly conserved in available vertebrate species. In addition, this alteration is predicted to be deleterious by in silico analysis. Since supporting evidence is limited at this time, the clinical significance of this alteration remains unclear.

Literature cited by the submitters: PubMed 30403391 (cited by Labcorp Genetics (formerly Invitae), Labcorp).